The following is an entry in ClinVar:

NM_032043.3(BRIP1):c.103G>A (p.Gly35Arg)

Gene: BRIP1 (BRCA1 interacting DNA helicase 1; minus strand). Cytogenetic location: 17q23.2.
Variant type: single nucleotide variant.
Coding change: c.103G>A on transcript NM_032043.3 (MANE Select); coding-DNA position 103, G replaced by A.
Protein change: p.Gly35Arg; replaces glycine 35 with arginine.
Molecular consequence: missense variant.
Genome position (GRCh38, 1-based): chr17:61,859,898, C>T on the plus strand (G>A on the coding strand, the complement: BRIP1 is on the minus strand). VCF-style: chr17-61859898-C-T. GRCh37 (hg19) VCF-style: chr17-59937259-C-T.
Other names: short protein forms G35R.
Identifiers: ClinVar variation 1040610 (VCV001040610.14), dbSNP rs373104267, ClinGen allele CA8690993.

ClinVar aggregate classification (germline): Uncertain significance. Review status: criteria provided, multiple submitters, no conflicts (2 of 4 stars). 3 submissions from 3 submitters: Uncertain significance (3). Last evaluated 2025-05-07.

Conditions:
Hereditary cancer-predisposing syndrome. Also called: Hereditary neoplastic syndrome; Neoplastic Syndromes, Hereditary; Tumor predisposition; Hereditary Cancer Syndrome. Identifiers: Orphanet 140162, MedGen C0027672, MeSH D009386, MONDO:0015356.
Fanconi anemia complementation group J. Also called: BRIP1-Related Fanconi Anemia. Identifiers: Orphanet 84, MedGen C1836860, MONDO:0012187, OMIM 609054.
Familial cancer of breast. Also called: BREAST CANCER, FAMILIAL; Hereditary breast cancer; hereditary breast carcinoma. Identifiers: Orphanet 227535, MedGen C0346153, MONDO:0016419, OMIM 114480. Disease mechanism: loss of function.

Allele frequency attached by ClinVar (database versions not stated): gnomAD exomes below 0.00001; TOPMed below 0.00001; ExAC 0.00001; gnomAD 0.00001; ESP Exome Variant Server 0.00008.

Submissions (3):

Labcorp Genetics (formerly Invitae), Labcorp
Classification: Uncertain significance for Familial cancer of breast; Fanconi anemia complementation group J. Last evaluated: 2025-05-07. Review status: criteria provided, single submitter. Criteria: Invitae Variant Classification Sherloc (09022015). Collection method: clinical testing. Allele origin: germline.
Comment: This sequence change replaces glycine, which is neutral and non-polar, with arginine, which is basic and polar, at codon 35 of the BRIP1 protein (p.Gly35Arg). This variant is present in population databases (rs373104267, gnomAD 0.007%). This variant has not been reported in the literature in individuals affected with BRIP1-related conditions. ClinVar contains an entry for this variant (Variation ID: 1040610). Invitae Evidence Modeling of protein sequence and biophysical properties (such as structural, functional, and spatial information, amino acid conservation, physicochemical variation, residue mobility, and thermodynamic stability) indicates that this missense variant is expected to disrupt BRIP1 protein function with a positive predictive value of 95%. In summary, the available evidence is currently insufficient to determine the role of this variant in disease. Therefore, it has been classified as a Variant of Uncertain Significance.

Ambry Genetics
Classification: Uncertain significance for Hereditary cancer-predisposing syndrome. Last evaluated: 2024-08-05. Review status: criteria provided, single submitter. Criteria: Ambry Variant Classification Scheme 2023. Collection method: clinical testing. Allele origin: germline.
Comment: The p.G35R variant (also known as c.103G>A), located in coding exon 2 of the BRIP1 gene, results from a G to A substitution at nucleotide position 103. The glycine at codon 35 is replaced by arginine, an amino acid with dissimilar properties. In one study, this alteration was observed in 0/3236 cases with invasive epithelial ovarian cancer and 0/3431 controls (Ramus SJ et al. J Natl Cancer Inst, 2015 Nov;107:). This amino acid position is highly conserved in available vertebrate species. In addition, this alteration is predicted to be deleterious by in silico analysis. Since supporting evidence is limited at this time, the clinical significance of this alteration remains unclear.

Women's Health and Genetics/Laboratory Corporation of America, LabCorp
Classification: Uncertain significance. Last evaluated: 2022-08-09. Review status: criteria provided, single submitter. Criteria: LabCorp Variant Classification Summary - May 2015. Collection method: clinical testing. Allele origin: germline.
Comment: Variant summary: BRIP1 c.103G>A (p.Gly35Arg) results in a non-conservative amino acid change located in the Helicase-like, DEXD box c2 type domain (IPR006554) of the encoded protein sequence. Four of five in-silico tools predict a damaging effect of the variant on protein function. The variant allele was found at a frequency of 4e-06 in 251350 control chromosomes. The available data on variant occurrences in the general population are insufficient to allow any conclusion about variant significance. To our knowledge, no occurrence of c.103G>A in individuals affected with Breast/Ovarian/BRIP1-related Cancer and no experimental evidence demonstrating its impact on protein function have been reported. One clinical diagnostic laboratory has submitted clinical-significance assessments for this variant to ClinVar after 2014 without evidence for independent evaluation and classified the variant as uncertain significance. Based on the evidence outlined above, the variant was classified as uncertain significance.

Literature cited by the submitters: PubMed 26315354 (cited by Ambry Genetics and Women's Health and Genetics/Laboratory Corporation of America, LabCorp).